The following is an entry in ClinVar:

ClinVar aggregate classification (germline): Uncertain significance (1 of 4 stars; one submission).

Submission:

Labcorp Genetics (formerly Invitae), Labcorp
Classification: Uncertain significance. Last evaluated: 2025-03-18. Review status: criteria provided, single submitter. Criteria: Invitae Variant Classification Sherloc (09022015). Collection method: clinical testing. Allele origin: germline.
Comment: This sequence change replaces cysteine, which is neutral and slightly polar, with tyrosine, which is neutral and polar, at codon 160 of the PCARE protein (p.Cys160Tyr). This variant is not present in population databases (gnomAD no frequency). This variant has not been reported in the literature in individuals affected with PCARE-related conditions. An algorithm developed to predict the effect of missense changes on protein structure and function outputs the following: PolyPhen-2: "Benign". The tyrosine amino acid residue is found in multiple mammalian species, which suggests that this missense change does not adversely affect protein function. In summary, the available evidence is currently insufficient to determine the role of this variant in disease. Therefore, it has been classified as a Variant of Uncertain Significance.

NM_001029883.3(PCARE):c.479G>A (p.Cys160Tyr)

Gene: PCARE (photoreceptor cilium actin regulator; minus strand). Cytogenetic location: 2p23.2.
Variant type: single nucleotide variant.
Coding change: c.479G>A on transcript NM_001029883.3 (MANE Select); coding-DNA position 479, G replaced by A.
Protein change: p.Cys160Tyr; replaces cysteine 160 with tyrosine.
Molecular consequence: missense variant.
Genome position (GRCh38, 1-based): chr2:29,073,783, C>T on the plus strand (G>A on the coding strand, the complement: PCARE is on the minus strand). VCF-style: chr2-29073783-C-T. GRCh37 (hg19) VCF-style: chr2-29296649-C-T.
Other names: short protein forms C160Y.
Identifiers: ClinVar variation 4715318 (VCV004715318.1).